The following is an entry in ClinVar:

ClinVar aggregate classification (germline): Likely benign (1 of 4 stars; one submission).

gnomAD v4.1: 3 of 737,692 alleles (0.00041%); highest among the groups gnomAD compares: Admixed American, 0.004%; no homozygotes.

Submission:

CeGaT Center for Human Genetics Tuebingen
Classification: Likely benign. Last evaluated: 2025-07-01. Review status: criteria provided, single submitter. Criteria: CeGaT Center For Human Genetics Tuebingen Variant Classification Criteria Version 2. Collection method: clinical testing. Allele origin: germline. Affected: yes. Observed: 1 variant allele.
Comment: POMT2: BP4, BP7

NM_013382.7(POMT2):c.1891+165T>C

Gene: POMT2 (protein O-mannosyltransferase 2; minus strand). Cytogenetic location: 14q24.3.
Variant type: single nucleotide variant.
Coding change: c.1891+165T>C on transcript NM_013382.7 (MANE Select); 165 bases into the intron after coding-DNA position 1891, T replaced by C.
Molecular consequence: intron variant.
Genome position (GRCh38, 1-based): chr14:77,279,658, A>G on the plus strand (T>C on the coding strand, the complement: POMT2 is on the minus strand). VCF-style: chr14-77279658-A-G. GRCh37 (hg19) VCF-style: chr14-77746001-A-G.
Identifiers: ClinVar variation 4085555 (VCV004085555.8).